The following is an entry in ClinVar:

NM_020163.3(SEMA3G):c.1498T>G (p.Ser500Ala)

Gene: SEMA3G (semaphorin 3G; minus strand). Cytogenetic location: 3p21.1.
Variant type: single nucleotide variant.
Coding change: c.1498T>G on transcript NM_020163.3 (MANE Select); coding-DNA position 1498, T replaced by G.
Protein change: p.Ser500Ala; replaces serine 500 with alanine.
Molecular consequence: missense variant.
Genome position (GRCh38, 1-based): chr3:52,438,931, A>C on the plus strand (T>G on the coding strand, the complement: SEMA3G is on the minus strand). VCF-style: chr3-52438931-A-C. GRCh37 (hg19) VCF-style: chr3-52472947-A-C.
Other names: short protein forms S500A.
Identifiers: ClinVar variation 3033066 (VCV003033066.2), dbSNP rs75842723, ClinGen allele CA2437912.
Genomic context (GRCh38, chr3:52,438,931, plus strand): 5'-GAGCAGGGGCAGAAGGGGGGTCCAAGAGGAGGGTGGCAGCTGTTCTTACCCTTTTGACAG[A>C]GATCTCCATTTCGGTGATAGGTGTTGGCACCTGGGGAAGGAGAAGGGTCTCAGTGTGGGT-3'
Protein context (NP_064548.1, residues 490-510): VPTPITEMEI[Ser500Ala]VKRQMLYVGS

ClinVar aggregate classification (germline): Uncertain significance (0 of 4 stars; one submission).

Conditions:
SEMA3G-related disorder. Also called: SEMA3G-related condition.

Allele frequency attached by ClinVar (database versions not stated): TOPMed 0.00001; ExAC 0.00002; gnomAD 0.00004; gnomAD exomes 0.00010; 1000 Genomes Project 30x 0.00031; 1000 Genomes Project 0.00040.
gnomAD v4.1: 142 of 1,613,556 alleles (0.0088%); highest among the groups gnomAD compares: East Asian, 0.31%; 1 homozygote.

Submission:

PreventionGenetics, part of Exact Sciences
Classification: Uncertain significance for SEMA3G-related condition. Last evaluated: 2024-02-29. Review status: no assertion criteria provided. Collection method: clinical testing. Allele origin: germline.
Comment: The SEMA3G c.1498T>G variant is predicted to result in the amino acid substitution p.Ser500Ala. To our knowledge, this variant has not been reported in the literature. This variant is reported in 0.027% of alleles in individuals of East Asian descent in gnomAD. At this time, the clinical significance of this variant is uncertain due to the absence of conclusive functional and genetic evidence.